The following is an entry in ClinVar:

NM_000503.6(EYA1):c.1140+4A>C

Gene: EYA1 (EYA transcriptional coactivator and phosphatase 1; minus strand). Cytogenetic location: 8q13.3.
Variant type: single nucleotide variant.
Coding change: c.1140+4A>C on transcript NM_000503.6 (MANE Select); 4 bases into the intron after coding-DNA position 1140, A replaced by C.
Molecular consequence: intron variant.
Genome position (GRCh38, 1-based): chr8:71,244,599, T>G on the plus strand (A>C on the coding strand, the complement: EYA1 is on the minus strand). VCF-style: chr8-71244599-T-G. GRCh37 (hg19) VCF-style: chr8-72156834-T-G.
Other names: c.1140+4A>C (NM_172058.3, NM_001370334.1, NM_172058.4 and 1 more transcripts); c.1041+4A>C (NM_001411797.1, NM_172060.4); c.774+4A>C (NM_001288575.2); c.1122+4A>C (NM_001288574.2); c.1119+25141A>C (NM_001370336.1); c.1227+4A>C (NM_001370333.1); c.1122+25141A>C (NM_172059.5).
Identifiers: ClinVar variation 2701576 (VCV002701576.5), dbSNP rs2537650818, ClinGen allele CA2697549965.

ClinVar aggregate classification (germline): Uncertain significance. Review status: criteria provided, multiple submitters, no conflicts (2 of 4 stars). 3 submissions from 3 submitters: Uncertain significance (2). 1 of the submissions does not count toward it. Last evaluated 2026-03-05.

Conditions:
EYA1-related disorder. Also called: EYA1-related condition.
Melnick-Fraser syndrome (BOR). Also called: Branchiootorenal Syndrome (BORS); Branchiootorenal syndrome; Branchio-oto-renal syndrome. Identifiers: Orphanet 107, MedGen C0265234, MONDO:0007029.

Submissions (3):

GeneDx
Classification: Uncertain significance. Last evaluated: 2026-03-05. Review status: criteria provided, single submitter. Criteria: GeneDx Variant Classification Process June 2021. Collection method: clinical testing. Allele origin: germline.
Comment: Not observed at significant frequency in large population cohorts (gnomAD); Has not been previously published as pathogenic or benign to our knowledge; In silico analysis is inconclusive as to whether the variant alters gene splicing. In the absence of RNA/functional studies, the actual effect of this sequence change is unknown.

Labcorp Genetics (formerly Invitae), Labcorp
Classification: Uncertain significance for Melnick-Fraser syndrome. Last evaluated: 2024-05-22. Review status: criteria provided, single submitter. Criteria: Invitae Variant Classification Sherloc (09022015). Collection method: clinical testing. Allele origin: germline.
Comment: This sequence change falls in intron 12 of the EYA1 gene. It does not directly change the encoded amino acid sequence of the EYA1 protein. It affects a nucleotide within the consensus splice site. This variant is not present in population databases (gnomAD no frequency). This variant has been observed in individual(s) with clinical features of branchiootorenal syndrome (Invitae). Variants that disrupt the consensus splice site are a relatively common cause of aberrant splicing (PMID: 17576681, 9536098). Algorithms developed to predict the effect of sequence changes on RNA splicing suggest that this variant is not likely to affect RNA splicing. In summary, the available evidence is currently insufficient to determine the role of this variant in disease. Therefore, it has been classified as a Variant of Uncertain Significance.

PreventionGenetics, part of Exact Sciences
Classification: Uncertain significance for EYA1-related condition. Last evaluated: 2024-09-12. Review status: no assertion criteria provided. Collection method: clinical testing. Allele origin: germline. Not counted in ClinVar's aggregate classification.
Comment: The EYA1 c.1140+4A>C variant is predicted to interfere with splicing. To our knowledge, this variant has not been reported in the literature or in a large population database, indicating this variant is rare. At this time, the clinical significance of this variant is uncertain due to the absence of conclusive functional and genetic evidence.

Literature cited by the submitters: PubMed 17576681 (cited by Labcorp Genetics (formerly Invitae), Labcorp); PubMed 9536098 (cited by Labcorp Genetics (formerly Invitae), Labcorp).